The following is an entry in ClinVar:

ClinVar aggregate classification (germline): Benign. Review status: criteria provided, multiple submitters, no conflicts (2 of 4 stars). 2 submissions from 2 submitters: Benign (2). Last evaluated 2018-01-13.

Conditions:
Ellis-van Creveld syndrome (EVC). Also called: EVC-Related Ellis-van Creveld Syndrome; EVC2-Related Ellis-van Creveld Syndrome; MESOECTODERMAL DYSPLASIA; Chondroectodermal dysplasia. Identifiers: Orphanet 289, MedGen C0013903, MONDO:0009162, OMIM 225500.

Allele frequency attached by ClinVar (database versions not stated): 1000 Genomes Project 30x 0.53545; 1000 Genomes Project 0.54093; TOPMed 0.61376; gnomAD 0.63456 and 0.63585; gnomAD exomes 0.78131.
gnomAD v4.1: 805,156 of 1,060,184 alleles (76%); highest among the groups gnomAD compares: Non-Finnish European, 80%; 313,639 homozygotes.

Submissions (2):

Illumina Laboratory Services, Illumina
Classification: Benign for Ellis-van Creveld syndrome. Last evaluated: 2018-01-13. Review status: criteria provided, single submitter. Criteria: ICSL Variant Classification Criteria 13 December 2019. Collection method: clinical testing. Allele origin: germline.
Comment: This variant was observed in the ICSL laboratory as part of a predisposition screen in an ostensibly healthy population. It had not been previously curated by ICSL or reported in the Human Gene Mutation Database (HGMD: prior to June 1st, 2018), and was therefore a candidate for classification through an automated scoring system. Utilizing variant allele frequency, disease prevalence and penetrance estimates, and inheritance mode, an automated score was calculated to assess if this variant is too frequent to cause the disease. Based on the score and internal cut-off values, a variant classified as benign is not then subjected to further curation. The score for this variant resulted in a classification of benign for this disease.

Breakthrough Genomics
Classification: Benign. Review status: criteria provided, single submitter. Criteria: ACMG Guidelines, 2015. Collection method: not provided. Allele origin: germline. Inheritance: Autosomal recessive inheritance. Affected: yes.

NM_147127.5(EVC2):c.*384T>A

Gene: EVC2 (EvC ciliary complex subunit 2; minus strand). Cytogenetic location: 4p16.2.
Variant type: single nucleotide variant.
Coding change: c.*384T>A on transcript NM_147127.5 (MANE Select); 384 bases downstream of the stop codon, T replaced by A.
Molecular consequence: 3 prime UTR variant.
Genome position (GRCh38, 1-based): chr4:5,562,464, A>T on the plus strand (T>A on the coding strand, the complement: EVC2 is on the minus strand). VCF-style: chr4-5562464-A-T. GRCh37 (hg19) VCF-style: chr4-5564191-A-T.
Other names: c.*384T>A (NM_001166136.2).
Identifiers: ClinVar variation 348976 (VCV000348976.6), dbSNP rs2287576, ClinGen allele CA10617940.